The following is an entry in ClinVar:

ClinVar aggregate classification (germline): Uncertain significance. Review status: criteria provided, single submitter (1 of 4 stars). 2 submissions from 2 submitters: Uncertain significance (1). 1 of the submissions does not count toward it. Last evaluated 2021-03-19.

Conditions:
RAI1-related disorder. Also called: RAI1-related condition.

Allele frequency attached by ClinVar (database versions not stated): gnomAD 0.00001.

Submissions (2):

Labcorp Genetics (formerly Invitae), Labcorp
Classification: Uncertain significance. Last evaluated: 2021-03-19. Review status: criteria provided, single submitter. Criteria: Invitae Variant Classification Sherloc (09022015). Collection method: clinical testing. Allele origin: germline.
Comment: In summary, the available evidence is currently insufficient to determine the role of this variant in disease. Therefore, it has been classified as a Variant of Uncertain Significance. Algorithms developed to predict the effect of missense changes on protein structure and function (SIFT, PolyPhen-2, Align-GVGD) all suggest that this variant is likely to be tolerated, but these predictions have not been confirmed by published functional studies and their clinical significance is uncertain. This variant has not been reported in the literature in individuals with RAI1-related conditions. This variant is not present in population databases (ExAC no frequency). This sequence change replaces alanine with serine at codon 834 of the RAI1 protein (p.Ala834Ser). The alanine residue is moderately conserved and there is a moderate physicochemical difference between alanine and serine.

PreventionGenetics, part of Exact Sciences
Classification: Uncertain significance for RAI1-related condition. Last evaluated: 2024-07-10. Review status: no assertion criteria provided. Collection method: clinical testing. Allele origin: germline. Not counted in ClinVar's aggregate classification.
Comment: The RAI1 c.2500G>T variant is predicted to result in the amino acid substitution p.Ala834Ser. To our knowledge, this variant has not been reported in the literature or in a large population database, indicating this variant is rare. At this time, the clinical significance of this variant is uncertain due to the absence of conclusive functional and genetic evidence.

NM_030665.4(RAI1):c.2500G>T (p.Ala834Ser)

Gene: RAI1 (retinoic acid induced 1; plus strand). Cytogenetic location: 17p11.2.
Variant type: single nucleotide variant.
Coding change: c.2500G>T on transcript NM_030665.4 (MANE Select); coding-DNA position 2500, G replaced by T.
Protein change: p.Ala834Ser; replaces alanine 834 with serine.
Molecular consequence: missense variant.
Genome position (GRCh38, 1-based): chr17:17,795,448, G>T. VCF-style: chr17-17795448-G-T. GRCh37 (hg19) VCF-style: chr17-17698762-G-T.
Other names: c.2500G>T (NM_030665.3); short protein forms A834S.
Identifiers: ClinVar variation 1507963 (VCV001507963.9), dbSNP rs1306030141, ClinGen allele CA398551381.